The following is an entry in ClinVar:

NM_000078.3(CETP):c.84C>T (p.Ile28=)

Gene: CETP (cholesteryl ester transfer protein; plus strand). Cytogenetic location: 16q13.
Variant type: single nucleotide variant.
Coding change: c.84C>T on transcript NM_000078.3 (MANE Select); coding-DNA position 84, C replaced by T.
Protein change: p.Ile28=; no amino-acid change (isoleucine 28 retained).
Molecular consequence: synonymous variant.
Genome position (GRCh38, 1-based): chr16:56,962,063, C>T. VCF-style: chr16-56962063-C-T. GRCh37 (hg19) VCF-style: chr16-56995975-C-T.
Other names: c.84C>T, p.Ile28= (NM_001286085.2).
Identifiers: ClinVar variation 80176 (VCV000080176.6), dbSNP rs142117489, ClinGen allele CA8070743.

ClinVar aggregate classification (germline): Benign. Review status: criteria provided, multiple submitters, no conflicts (2 of 4 stars). 2 submissions from 2 submitters: Benign (2). Last evaluated 2018-01-12.

Conditions:
Hyperalphalipoproteinemia 1 (HALP1). Also called: CETP-Related Hyperalphalipoproteinemia; CETP DEFICIENCY. Identifiers: MedGen C3149462, OMIM 143470.

Allele frequency attached by ClinVar (database versions not stated): gnomAD 0.00003; TOPMed 0.00003; ExAC 0.00004; ESP Exome Variant Server 0.00008; 1000 Genomes Project 0.00020; 1000 Genomes Project 30x 0.00031.
gnomAD v4.1: 25 of 1,614,094 alleles (0.0015%); highest among the groups gnomAD compares: Middle Eastern, 0.016%; no homozygotes.

Submissions (2):

Illumina Laboratory Services, Illumina
Classification: Benign for Hyperalphalipoproteinemia 1. Last evaluated: 2018-01-12. Review status: criteria provided, single submitter. Criteria: ICSL Variant Classification Criteria 13 December 2019. Collection method: clinical testing. Allele origin: germline.
Comment: This variant was observed in the ICSL laboratory as part of a predisposition screen in an ostensibly healthy population. It had not been previously curated by ICSL or reported in the Human Gene Mutation Database (HGMD: prior to June 1st, 2018), and was therefore a candidate for classification through an automated scoring system. Utilizing variant allele frequency, disease prevalence and penetrance estimates, and inheritance mode, an automated score was calculated to assess if this variant is too frequent to cause the disease. Based on the score and internal cut-off values, a variant classified as benign is not then subjected to further curation. The score for this variant resulted in a classification of benign for this disease.

Breakthrough Genomics
Classification: Benign. Review status: criteria provided, single submitter. Criteria: ACMG Guidelines, 2015. Collection method: not provided. Allele origin: germline. Inheritance: Autosomal dominant inheritance. Affected: yes.